The following is an entry in ClinVar:

ClinVar aggregate classification (germline): Likely pathogenic (1 of 4 stars; one submission).

Conditions:
Familial hemophagocytic lymphohistiocytosis 5. Also called: STXBP2-Related Familial Hemophagocytic Lymphohistiocytosis (STXBP2-fHLH). Identifiers: Orphanet 540, MedGen C2751293, MONDO:0013135, OMIM 613101.

Submission:

Labcorp Genetics (formerly Invitae), Labcorp
Classification: Likely pathogenic for Familial hemophagocytic lymphohistiocytosis 5. Last evaluated: 2022-05-15. Review status: criteria provided, single submitter. Criteria: Invitae Variant Classification Sherloc (09022015). Collection method: clinical testing. Allele origin: germline.
Comment: In summary, the currently available evidence indicates that the variant is pathogenic, but additional data are needed to prove that conclusively. Therefore, this variant has been classified as Likely Pathogenic. Algorithms developed to predict the effect of sequence changes on RNA splicing suggest that this variant may disrupt the consensus splice site. This variant has not been reported in the literature in individuals affected with STXBP2-related conditions. This variant is not present in population databases (gnomAD no frequency). This sequence change affects a donor splice site in intron 12 of the STXBP2 gene. It is expected to disrupt RNA splicing. Variants that disrupt the donor or acceptor splice site typically lead to a loss of protein function (PMID: 16199547), and loss-of-function variants in STXBP2 are known to be pathogenic (PMID: 19804848, 22451424).

Literature cited by the submitters: PubMed 16199547; PubMed 19804848; PubMed 22451424.

NM_006949.4(STXBP2):c.1026+2T>A

Gene: STXBP2 (syntaxin binding protein 2; plus strand). Cytogenetic location: 19p13.2.
Variant type: single nucleotide variant.
Coding change: c.1026+2T>A on transcript NM_006949.4 (MANE Select); the canonical splice donor site of the intron after coding-DNA position 1026, T replaced by A.
Molecular consequence: splice donor variant.
Genome position (GRCh38, 1-based): chr19:7,643,050, T>A. VCF-style: chr19-7643050-T-A. GRCh37 (hg19) VCF-style: chr19-7707936-T-A.
Other names: c.930+2T>A (NM_001414484.1); c.1059+2T>A (NM_001272034.2); c.1017+2T>A (NM_001127396.3).
Identifiers: ClinVar variation 1994849 (VCV001994849.4), dbSNP rs2512700357, ClinGen allele CA403160745.
Genomic context (GRCh38, chr19:7,643,050, plus strand): 5'-TCAAAGACCTATCCCAGATCCTGAAAAAGATGCCGCAGTACCAGAAGGAGCTGAATAAGG[T>A]GTGCTCGGGTGGGCAGGGAGCGGGGACACCTCGGCCCCTCAACCCCATGCTCTGTCTGCG-3'